The following is an entry in ClinVar:

ClinVar aggregate classification (germline): Conflicting classifications of pathogenicity. Review status: criteria provided, conflicting classifications (1 of 4 stars). 3 submissions from 3 submitters: Uncertain significance (2); Likely benign (1). Last evaluated 2025-08-06.

Conditions:
FRAS1-related disorder. Also called: FRAS1-related condition.

Allele frequency attached by ClinVar (database versions not stated): TOPMed below 0.00001; gnomAD 0.00001; gnomAD exomes 0.00001; ExAC 0.00002; ESP Exome Variant Server 0.00008.
gnomAD v4.1: 13 of 1,613,744 alleles (0.00081%); highest among the groups gnomAD compares: African/African-American, 0.0027%; no homozygotes.

Submissions (3):

Labcorp Genetics (formerly Invitae), Labcorp
Classification: Likely benign. Last evaluated: 2025-08-06. Review status: criteria provided, single submitter. Criteria: Invitae Variant Classification Sherloc (09022015). Collection method: clinical testing. Allele origin: germline.

PreventionGenetics, part of Exact Sciences
Classification: Uncertain significance for FRAS1-related condition. Last evaluated: 2023-04-05. Review status: criteria provided, single submitter. Criteria: ACMG Guidelines, 2015. Collection method: clinical testing. Allele origin: germline.
Comment: The FRAS1 c.8283C>T variant is not predicted to result in an amino acid change (p.=). This variant is predicted to possibly create a splice donor site within the exon (Alamut Visual Plus v1.6.1). To our knowledge, this variant has not been reported in the literature. This variant is reported in 0.0065% of alleles in individuals of African descent in gnomAD. At this time, the clinical significance of this variant is uncertain due to the absence of conclusive functional and genetic evidence.

Blueprint Genetics
Classification: Uncertain significance. Last evaluated: 2023-02-15. Review status: criteria provided, single submitter. Criteria: ACMG Guidelines, 2015. Collection method: clinical testing. Allele origin: germline.

NM_025074.7(FRAS1):c.8283C>T (p.Ser2761=)

Gene: FRAS1 (Fraser extracellular matrix complex subunit 1; plus strand). Cytogenetic location: 4q21.21.
Variant type: single nucleotide variant.
Coding change: c.8283C>T on transcript NM_025074.7 (MANE Select); coding-DNA position 8283, C replaced by T.
Protein change: p.Ser2761=; no amino-acid change (serine 2761 retained).
Molecular consequence: synonymous variant.
Genome position (GRCh38, 1-based): chr4:78,479,558, C>T. VCF-style: chr4-78479558-C-T. GRCh37 (hg19) VCF-style: chr4-79400712-C-T.
Identifiers: ClinVar variation 2633596 (VCV002633596.5), dbSNP rs374258390, ClinGen allele CA2978322.